The following is an entry in ClinVar:

NC_012920.1(MT-ND5):m.14051C>T

Gene: MT-ND5 (mitochondrially encoded NADH dehydrogenase 5; plus strand).
Variant type: single nucleotide variant.
Genome position: chrM-14051-C-T.
Identifiers: ClinVar variation 693657 (VCV000693657.1), dbSNP rs1603224492, ClinGen allele CA414820690.
Genomic context (GRCh38, chrMT:14,051, plus strand): 5'-TCCTAGACCTAACCTGACTAGAAAAGCTATTACCTAAAACAATTTCACAGCACCAAATCT[C>T]CACCTCCATCATCACCTCAACCCAAAAAGGCATAATTAAACTTTACTTCCTCTCTTTCTT-3'

ClinVar aggregate classification (germline): Uncertain significance (1 of 4 stars; one submission).

Conditions:
Leigh syndrome (NULS). Also called: Leigh's necrotizing encephalopathy; Leigh's disease; Leigh's syndrome; LEIGH SYNDROME, NUCLEAR; Leigh Syndrome (mtDNA deletion); Leigh Disease. Identifiers: Orphanet 506, MedGen C2931891, MONDO:0009723, OMIM 256000.

Submission:

Wong Mito Lab, Molecular and Human Genetics, Baylor College of Medicine
Classification: Uncertain significance for Leigh syndrome. Last evaluated: 2019-10-17. Review status: criteria provided, single submitter. Criteria: Modified ACMG Guidelines (Unpublished). Collection method: clinical testing. Allele origin: germline.
Comment: The NC_012920.1:m.14051C>T (YP_003024036.1:p.Ser572Phe) variant in MTND5 gene is interpretated to be a Uncertain Significance variant based on the modified ACMG guidelines (unpublished). This variant meets the following evidence codes: PP6, PP7